The following is an entry in ClinVar:

NM_017415.3(KLHL3):c.1611G>T (p.Gly537=)

Gene: KLHL3 (kelch like family member 3; minus strand). Cytogenetic location: 5q31.2.
Variant type: single nucleotide variant.
Coding change: c.1611G>T on transcript NM_017415.3 (MANE Select); coding-DNA position 1611, G replaced by T.
Protein change: p.Gly537=; no amino-acid change (glycine 537 retained).
Molecular consequence: synonymous variant.
Genome position (GRCh38, 1-based): chr5:137,625,877, C>A on the plus strand (G>T on the coding strand, the complement: KLHL3 is on the minus strand). VCF-style: chr5-137625877-C-A. GRCh37 (hg19) VCF-style: chr5-136961566-C-A.
Other names: p.Gly537=; c.1515G>T, p.Gly505= (NM_001257194.1); c.1365G>T, p.Gly455= (NM_001257195.2).
Identifiers: ClinVar variation 260808 (VCV000260808.14), dbSNP rs17171525, ClinGen allele CA3422145.
Genomic context (GRCh38, chr5:137,625,877, plus strand): 5'-GTAGTACTCCACCGAAGCCAAGTTGCAGGATCCATCATCCCCTCCAACCACATACAGGAG[C>A]CCATTTACTGCACAGACCCCTGTGAGTCAAACAAAAGCCATGGGAGACATCACAGCAGGT-3'
Protein context (NP_059111.2, residues 527-547): RRNAGVCAVN[Gly537=]LLYVVGGDDG

ClinVar aggregate classification (germline): Benign. Review status: criteria provided, multiple submitters, no conflicts (2 of 4 stars). 6 submissions from 6 submitters: Benign (6). Last evaluated 2026-02-04.

Conditions:
Pseudohypoaldosteronism type 2D (PHA2D). Also called: Pseudohypoaldosteronism Type IID; FAMILIAL HYPERKALEMIC HYPERTENSION; PSEUDOHYPOALDOSTERONISM, TYPE IID, AUTOSOMAL DOMINANT OR RECESSIVE. Identifiers: Orphanet 300525, Orphanet 757, MedGen C3469605, MONDO:0013781, OMIM 614495.

Allele frequency attached by ClinVar (database versions not stated): TOPMed 0.04300; gnomAD exomes 0.04837; 1000 Genomes Project 0.02835; 1000 Genomes Project 30x 0.02951; ESP Exome Variant Server 0.03037; gnomAD 0.03646 and 0.03678; ExAC 0.04238.
gnomAD v4.1: 66,884 of 1,614,148 alleles (4.1%); highest among the groups gnomAD compares: Admixed American, 16%; 2,071 homozygotes.

Submissions (6):

Labcorp Genetics (formerly Invitae), Labcorp
Classification: Benign. Last evaluated: 2026-02-04. Review status: criteria provided, single submitter. Criteria: Invitae Variant Classification Sherloc (09022015). Collection method: clinical testing. Allele origin: germline.

Blueprint Genetics
Classification: Benign. Last evaluated: 2024-11-26. Review status: criteria provided, single submitter. Criteria: ACMG Guidelines, 2015. Collection method: clinical testing. Allele origin: germline.

Mayo Clinic Laboratories, Mayo Clinic
Classification: Benign. Last evaluated: 2022-03-09. Review status: criteria provided, single submitter. Criteria: ACMG Guidelines, 2015. Collection method: clinical testing. Allele origin: germline. Observed: 16 variant alleles.

GeneDx
Classification: Benign. Last evaluated: 2019-08-20. Review status: criteria provided, single submitter. Criteria: GeneDx Variant Classification Process June 2021. Collection method: clinical testing. Allele origin: germline. Affected: yes.

Illumina Laboratory Services, Illumina
Classification: Benign for Pseudohypoaldosteronism type 2D. Last evaluated: 2018-01-12. Review status: criteria provided, single submitter. Criteria: ICSL Variant Classification Criteria 13 December 2019. Collection method: clinical testing. Allele origin: germline.
Comment: This variant was observed in the ICSL laboratory as part of a predisposition screen in an ostensibly healthy population. It had not been previously curated by ICSL or reported in the Human Gene Mutation Database (HGMD: prior to June 1st, 2018), and was therefore a candidate for classification through an automated scoring system. Utilizing variant allele frequency, disease prevalence and penetrance estimates, and inheritance mode, an automated score was calculated to assess if this variant is too frequent to cause the disease. Based on the score and internal cut-off values, a variant classified as benign is not then subjected to further curation. The score for this variant resulted in a classification of benign for this disease.

PreventionGenetics, part of Exact Sciences
Classification: Benign. Review status: criteria provided, single submitter. Criteria: ACMG Guidelines, 2015. Collection method: clinical testing. Allele origin: germline.